The following is an entry in ClinVar:

ClinVar aggregate classification (germline): Uncertain significance (1 of 4 stars; one submission).

Allele frequency attached by ClinVar (database versions not stated): TOPMed 0.00002; gnomAD exomes below 0.00001; gnomAD 0.00001.

Submission:

Labcorp Genetics (formerly Invitae), Labcorp
Classification: Uncertain significance. Last evaluated: 2026-01-07. Review status: criteria provided, single submitter. Criteria: Invitae Variant Classification Sherloc (09022015). Collection method: clinical testing. Allele origin: germline.
Comment: This sequence change replaces arginine, which is basic and polar, with glutamine, which is neutral and polar, at codon 438 of the HYOU1 protein (p.Arg438Gln). This variant is present in population databases (rs782669905, gnomAD 0.01%). This variant has not been reported in the literature in individuals affected with HYOU1-related conditions. ClinVar contains an entry for this variant (Variation ID: 2977822). An algorithm developed to predict the effect of missense changes on protein structure and function (PolyPhen-2) suggests that this variant is likely to be disruptive. In summary, the available evidence is currently insufficient to determine the role of this variant in disease. Therefore, it has been classified as a Variant of Uncertain Significance.

NM_006389.5(HYOU1):c.1313G>A (p.Arg438Gln)

Genes: HYOU1 (hypoxia up-regulated 1; minus strand), LOC130006884 (ATAC-STARR-seq lymphoblastoid active region 5617; plus strand). Cytogenetic location: 11q23.3.
Variant type: single nucleotide variant.
Coding change: c.1313G>A on transcript NM_006389.5 (MANE Select); coding-DNA position 1313, G replaced by A.
Protein change: p.Arg438Gln; replaces arginine 438 with glutamine.
Molecular consequence: missense variant.
Genome position (GRCh38, 1-based): chr11:119,051,844, C>T on the plus strand (G>A on the coding strand, the complement: HYOU1 is on the minus strand). VCF-style: chr11-119051844-C-T. GRCh37 (hg19) VCF-style: chr11-118922556-C-T.
Other names: c.1313G>A, p.Arg438Gln (NM_001130991.3, NM_001411041.1); short protein forms R438Q.
Identifiers: ClinVar variation 2977822 (VCV002977822.3), dbSNP rs782669905, ClinGen allele CA229622419.
Genomic context (GRCh38, chr11:119,051,844, plus strand): 5'-GGGAGCTTGTCACCTGCTCAGTCAGGCTCACTCACCAGGATGGGGTAGACCACTGCATCT[C>T]GGACGACAAATGGCTTCACTTTAAAGGCTTTGCTGAGCGCAGCTGCCTGGTACACTGCCC-3'
Protein context (NP_006380.1, residues 428-448): KAFKVKPFVV[Arg438Gln]DAVVYPILVE